The following is an entry in ClinVar:

NM_004304.5(ALK):c.901A>G (p.Met301Val)

Gene: ALK (ALK receptor tyrosine kinase; minus strand). Cytogenetic location: 2p23.2.
Variant type: single nucleotide variant.
Coding change: c.901A>G on transcript NM_004304.5 (MANE Select); coding-DNA position 901, A replaced by G.
Protein change: p.Met301Val; replaces methionine 301 with valine.
Molecular consequence: missense variant.
Genome position (GRCh38, 1-based): chr2:29,694,901, T>C on the plus strand (A>G on the coding strand, the complement: ALK is on the minus strand). VCF-style: chr2-29694901-T-C. GRCh37 (hg19) VCF-style: chr2-29917767-T-C.
Other names: short protein forms M301V.
Identifiers: ClinVar variation 972626 (VCV000972626.10), dbSNP rs754427541, ClinGen allele CA346586908.

ClinVar aggregate classification (germline): Uncertain significance (1 of 4 stars; one submission).

Conditions:
Neuroblastoma, susceptibility to, 3. Also called: ALK-Related Neuroblastic Tumor Susceptibility. Identifiers: Orphanet 635, MedGen C2751681, MONDO:0013083, OMIM 613014.

gnomAD v4.1: 1 of 1,614,054 alleles (0.000062%); highest among the groups gnomAD compares: Non-Finnish European, 0.000085%; no homozygotes.

Submission:

Labcorp Genetics (formerly Invitae), Labcorp
Classification: Uncertain significance for Neuroblastoma, susceptibility to, 3. Last evaluated: 2023-12-24. Review status: criteria provided, single submitter. Criteria: Invitae Variant Classification Sherloc (09022015). Collection method: clinical testing. Allele origin: germline.
Comment: This sequence change replaces methionine, which is neutral and non-polar, with valine, which is neutral and non-polar, at codon 301 of the ALK protein (p.Met301Val). This variant is not present in population databases (gnomAD no frequency). This variant has not been reported in the literature in individuals affected with ALK-related conditions. ClinVar contains an entry for this variant (Variation ID: 972626). An algorithm developed to predict the effect of missense changes on protein structure and function (PolyPhen-2) suggests that this variant is likely to be tolerated. In summary, the available evidence is currently insufficient to determine the role of this variant in disease. Therefore, it has been classified as a Variant of Uncertain Significance.